The following is an entry in ClinVar:

NM_000460.4(THPO):c.685A>G (p.Ile229Val)

Gene: THPO (thrombopoietin; minus strand). Cytogenetic location: 3q27.1.
Variant type: single nucleotide variant.
Coding change: c.685A>G on transcript NM_000460.4 (MANE Select); coding-DNA position 685, A replaced by G.
Protein change: p.Ile229Val; replaces isoleucine 229 with valine.
Molecular consequence: missense variant.
Genome position (GRCh38, 1-based): chr3:184,372,890, T>C on the plus strand (A>G on the coding strand, the complement: THPO is on the minus strand). VCF-style: chr3-184372890-T-C. GRCh37 (hg19) VCF-style: chr3-184090678-T-C.
Other names: c.569A>G, p.Asp190Gly (NM_001290027.1, NM_001289997.1); c.685A>G, p.Ile229Val (NM_001290028.1, NM_001289998.1); c.673A>G, p.Ile225Val (NM_001177597.2, NM_001290022.1); c.668A>G, p.Asp223Gly (NM_001177598.2, NM_001290026.1); c.1105A>G, p.Ile369Val (NM_001290003.1); short protein forms D223G, I225V, I369V, D190G, I229V.
Identifiers: ClinVar variation 2876252 (VCV002876252.3), dbSNP rs1365884284, ClinGen allele CA355461948.

ClinVar aggregate classification (germline): Uncertain significance (1 of 4 stars; one submission).

Allele frequency attached by ClinVar (database versions not stated): gnomAD exomes below 0.00001.
gnomAD v4.1: 2 of 1,613,984 alleles (0.00012%); highest among the groups gnomAD compares: Admixed American, 0.0017%; no homozygotes.

Submission:

Labcorp Genetics (formerly Invitae), Labcorp
Classification: Uncertain significance. Last evaluated: 2024-01-26. Review status: criteria provided, single submitter. Criteria: Invitae Variant Classification Sherloc (09022015). Collection method: clinical testing. Allele origin: germline.
Comment: This sequence change replaces isoleucine, which is neutral and non-polar, with valine, which is neutral and non-polar, at codon 229 of the THPO protein (p.Ile229Val). This variant is present in population databases (no rsID available, gnomAD 0.003%). This variant has not been reported in the literature in individuals affected with THPO-related conditions. Advanced modeling of protein sequence and biophysical properties (such as structural, functional, and spatial information, amino acid conservation, physicochemical variation, residue mobility, and thermodynamic stability) performed at Invitae indicates that this missense variant is not expected to disrupt THPO protein function with a negative predictive value of 80%. In summary, the available evidence is currently insufficient to determine the role of this variant in disease. Therefore, it has been classified as a Variant of Uncertain Significance.